The following is an entry in ClinVar:

ClinVar aggregate classification (germline): Uncertain significance. Review status: criteria provided, multiple submitters, no conflicts (2 of 4 stars). 2 submissions from 2 submitters: Uncertain significance (2). Last evaluated 2026-01-05.

Conditions:
Inborn genetic diseases. Identifiers: MedGen C0950123, MeSH D030342.
Fanconi anemia (FA). Also called: Fanconi's anemia. Identifiers: Orphanet 84, MedGen C0015625, MeSH D005199, MONDO:0019391.

Allele frequency attached by ClinVar (database versions not stated): gnomAD exomes below 0.00001.
gnomAD v4.1: 1 of 1,610,618 alleles (0.000062%); no homozygotes.

Submissions (2):

Labcorp Genetics (formerly Invitae), Labcorp
Classification: Uncertain significance for Fanconi anemia. Last evaluated: 2026-01-05. Review status: criteria provided, single submitter. Criteria: Invitae Variant Classification Sherloc (09022015). Collection method: clinical testing. Allele origin: germline.
Comment: This sequence change replaces arginine, which is basic and polar, with threonine, which is neutral and polar, at codon 1910 of the FANCM protein (p.Arg1910Thr). This variant is present in population databases (no rsID available, gnomAD no frequency). This variant has not been reported in the literature in individuals affected with FANCM-related conditions. ClinVar contains an entry for this variant (Variation ID: 968298). An algorithm developed to predict the effect of missense changes on protein structure and function (PolyPhen-2) suggests that this variant is likely to be disruptive. In summary, the available evidence is currently insufficient to determine the role of this variant in disease. Therefore, it has been classified as a Variant of Uncertain Significance.

Ambry Genetics
Classification: Uncertain significance for Inborn genetic diseases. Last evaluated: 2025-04-18. Review status: criteria provided, single submitter. Criteria: Ambry Variant Classification Scheme 2023. Collection method: clinical testing. Allele origin: germline.
Comment: The p.R1910T variant (also known as c.5729G>C), located in coding exon 22 of the FANCM gene, results from a G to C substitution at nucleotide position 5729. The arginine at codon 1910 is replaced by threonine, an amino acid with similar properties. This amino acid position is conserved. In addition, this alteration is predicted to be tolerated by in silico analysis. Based on the available evidence, the clinical significance of this variant remains unclear.

NM_020937.4(FANCM):c.5729G>C (p.Arg1910Thr)

Gene: FANCM (FA complementation group M; plus strand). Cytogenetic location: 14q21.2.
Variant type: single nucleotide variant.
Coding change: c.5729G>C on transcript NM_020937.4 (MANE Select); coding-DNA position 5729, G replaced by C.
Protein change: p.Arg1910Thr; replaces arginine 1910 with threonine.
Molecular consequence: missense variant.
Genome position (GRCh38, 1-based): chr14:45,198,656, G>C. VCF-style: chr14-45198656-G-C. GRCh37 (hg19) VCF-style: chr14-45667859-G-C.
Other names: c.5651G>C, p.Arg1884Thr (NM_001308133.2); short protein forms R1884T, R1910T.
Identifiers: ClinVar variation 968298 (VCV000968298.11), dbSNP rs1193767487, ClinGen allele CA389586539.